The following is an entry in ClinVar:

NM_001142730.3(KCTD1):c.2284A>G (p.Arg762Gly)

Gene: KCTD1 (potassium channel tetramerization domain containing 1; minus strand). Cytogenetic location: 18q11.2.
Variant type: single nucleotide variant.
Coding change: c.2284A>G on transcript NM_001142730.3 (MANE Select); coding-DNA position 2284, A replaced by G.
Protein change: p.Arg762Gly; replaces arginine 762 with glycine.
Molecular consequence: missense variant.
Genome position (GRCh38, 1-based): chr18:26,459,775, T>C on the plus strand (A>G on the coding strand, the complement: KCTD1 is on the minus strand). VCF-style: chr18-26459775-T-C. GRCh37 (hg19) VCF-style: chr18-24039739-T-C.
Other names: c.460A>G, p.Arg154Gly (NM_001136205.2, NM_001258221.2, NM_001351443.1 and 1 more transcripts); c.484A>G, p.Arg162Gly (NM_001258222.3); short protein forms R154G, R162G, R762G.
Identifiers: ClinVar variation 4740344 (VCV004740344.1).

ClinVar aggregate classification (germline): Uncertain significance (1 of 4 stars; one submission).

gnomAD v4.1: 1 of 1,614,206 alleles (0.000062%); highest among the groups gnomAD compares: Non-Finnish European, 0.000085%; no homozygotes.

Submission:

Labcorp Genetics (formerly Invitae), Labcorp
Classification: Uncertain significance. Last evaluated: 2025-07-03. Review status: criteria provided, single submitter. Criteria: Invitae Variant Classification Sherloc (09022015). Collection method: clinical testing. Allele origin: germline.
Comment: This sequence change replaces arginine, which is basic and polar, with glycine, which is neutral and non-polar, at codon 154 of the KCTD1 protein (p.Arg154Gly). This variant is present in population databases (rs765620782, gnomAD 0.006%). This variant has not been reported in the literature in individuals affected with KCTD1-related conditions. Invitae Evidence Modeling of protein sequence and biophysical properties (such as structural, functional, and spatial information, amino acid conservation, physicochemical variation, residue mobility, and thermodynamic stability) has been performed for this missense variant. However, the output from this modeling did not meet the statistical confidence thresholds required to predict the impact of this variant on KCTD1 protein function. In summary, the available evidence is currently insufficient to determine the role of this variant in disease. Therefore, it has been classified as a Variant of Uncertain Significance.